The following is an entry in ClinVar:

ClinVar aggregate classification (germline): Uncertain significance (1 of 4 stars; one submission).

Conditions:
Intellectual disability, autosomal recessive 42 (NEDDSBA). Also called: Neurodevelopmental disorder with dysmorphic features, spasticity, and brain abnormalities; GLYCOSYLPHOSPHATIDYLINOSITOL BIOSYNTHESIS DEFECT 9. Identifiers: Orphanet 88616, MedGen C4014343, MONDO:0014348, OMIM 615802.

Allele frequency attached by ClinVar (database versions not stated): TOPMed below 0.00001; ExAC 0.00001; gnomAD exomes 0.00001.
gnomAD v4.1: 18 of 1,612,560 alleles (0.0011%); highest among the groups gnomAD compares: Middle Eastern, 0.017%; no homozygotes.

Submission:

Labcorp Genetics (formerly Invitae), Labcorp
Classification: Uncertain significance for Intellectual disability, autosomal recessive 42. Last evaluated: 2019-12-31. Review status: criteria provided, single submitter. Criteria: Invitae Variant Classification Sherloc (09022015). Collection method: clinical testing. Allele origin: germline.
Comment: In summary, the available evidence is currently insufficient to determine the role of this variant in disease. Therefore, it has been classified as a Variant of Uncertain Significance. Algorithms developed to predict the effect of missense changes on protein structure and function (SIFT, PolyPhen-2, Align-GVGD) all suggest that this variant is likely to be tolerated, but these predictions have not been confirmed by published functional studies and their clinical significance is uncertain. This variant has not been reported in the literature in individuals with PGAP1-related conditions. This variant is present in population databases (rs749729836, ExAC 0.002%). This sequence change replaces histidine with arginine at codon 232 of the PGAP1 protein (p.His232Arg). The histidine residue is moderately conserved and there is a small physicochemical difference between histidine and arginine.

NM_024989.4(PGAP1):c.695A>G (p.His232Arg)

Gene: PGAP1 (post-GPI attachment to proteins inositol deacylase 1; minus strand). Cytogenetic location: 2q33.1.
Variant type: single nucleotide variant.
Coding change: c.695A>G on transcript NM_024989.4 (MANE Select); coding-DNA position 695, A replaced by G.
Protein change: p.His232Arg; replaces histidine 232 with arginine.
Molecular consequence: missense variant. On other transcripts: 5 prime UTR variant (1).
Genome position (GRCh38, 1-based): chr2:196,902,697, T>C on the plus strand (A>G on the coding strand, the complement: PGAP1 is on the minus strand). VCF-style: chr2-196902697-T-C. GRCh37 (hg19) VCF-style: chr2-197767421-T-C.
Other names: c.173A>G, p.His58Arg (NM_001321099.2); c.-417A>G (NM_001321100.2); short protein forms H232R, H58R.
Identifiers: ClinVar variation 863003 (VCV000863003.10), dbSNP rs749729836, ClinGen allele CA2041135.